The following is an entry in ClinVar:

NM_178493.6(NOTUM):c.891C>T (p.Tyr297=)

Gene: NOTUM (notum, palmitoleoyl-protein carboxylesterase; minus strand). Cytogenetic location: 17q25.3.
Variant type: single nucleotide variant.
Coding change: c.891C>T on transcript NM_178493.6 (MANE Select); coding-DNA position 891, C replaced by T.
Protein change: p.Tyr297=; no amino-acid change (tyrosine 297 retained).
Molecular consequence: synonymous variant.
Genome position (GRCh38, 1-based): chr17:81,956,747, G>A on the plus strand (C>T on the coding strand, the complement: NOTUM is on the minus strand). VCF-style: chr17-81956747-G-A. GRCh37 (hg19) VCF-style: chr17-79914623-G-A.
Identifiers: ClinVar variation 2648476 (VCV002648476.24), dbSNP rs151285733, ClinGen allele CA8845993.

ClinVar aggregate classification (germline): Likely benign (1 of 4 stars; one submission).

Allele frequency attached by ClinVar (database versions not stated): gnomAD 0.00324; ESP Exome Variant Server 0.00331; 1000 Genomes Project 30x 0.00344; TOPMed 0.00354; gnomAD exomes 0.00453; ExAC 0.00220; 1000 Genomes Project 0.00300.
gnomAD v4.1: 7,085 of 1,612,034 alleles (0.44%); highest among the groups gnomAD compares: Non-Finnish European, 0.55%; 23 homozygotes.

Submission:

CeGaT Center for Human Genetics Tuebingen
Classification: Likely benign. Last evaluated: 2022-08-01. Review status: criteria provided, single submitter. Criteria: CeGaT Center For Human Genetics Tuebingen Variant Classification Criteria Version 2. Collection method: clinical testing. Allele origin: germline. Affected: yes. Observed: 1 variant allele.
Comment: NOTUM: BP4, BP7